The following is an entry in ClinVar:

NM_006371.5(CRTAP):c.471+156T>C

Genes: CRTAP (cartilage associated protein; plus strand), LOC129936437 (ATAC-STARR-seq lymphoblastoid silent region 14184; plus strand). Cytogenetic location: 3p22.3.
Variant type: single nucleotide variant.
Coding change: c.471+156T>C on transcript NM_006371.5 (MANE Select); 156 bases into the intron after coding-DNA position 471, T replaced by C.
Molecular consequence: intron variant.
Genome position (GRCh38, 1-based): chr3:33,114,704, T>C. VCF-style: chr3-33114704-T-C. GRCh37 (hg19) VCF-style: chr3-33156196-T-C.
Other names: c.471+156T>C (NM_001393363.1, NM_001393364.1, NM_001393365.1).
Identifiers: ClinVar variation 667634 (VCV000667634.2), dbSNP rs7611841, ClinGen allele CA16139564.

ClinVar aggregate classification (germline): Benign. Review status: criteria provided, multiple submitters, no conflicts (2 of 4 stars). 2 submissions from 2 submitters: Benign (2). Last evaluated 2018-06-19.

Allele frequency attached by ClinVar (database versions not stated): TOPMed 0.86049; gnomAD 0.86545 and 0.86658; 1000 Genomes Project 30x 0.87633; 1000 Genomes Project 0.88079.
gnomAD v4.1: 131,905 of 152,248 alleles (87%); highest among the groups gnomAD compares: East Asian, 97%; 57,210 homozygotes.

Submissions (2):

GeneDx
Classification: Benign. Last evaluated: 2018-06-19. Review status: criteria provided, single submitter. Criteria: GeneDx Variant Classification (06012015). Collection method: clinical testing. Allele origin: germline. Affected: yes.
Comment: This variant is considered likely benign or benign based on one or more of the following criteria: it is a conservative change, it occurs at a poorly conserved position in the protein, it is predicted to be benign by multiple in silico algorithms, and/or has population frequency not consistent with disease.

Breakthrough Genomics
Classification: Benign. Review status: criteria provided, single submitter. Criteria: ACMG Guidelines, 2015. Collection method: not provided. Allele origin: germline. Inheritance: Autosomal recessive inheritance. Affected: yes.